The following is an entry in ClinVar:

ClinVar aggregate classification (germline): Uncertain significance. Review status: criteria provided, multiple submitters, no conflicts (2 of 4 stars). 3 submissions from 3 submitters: Uncertain significance (3). Last evaluated 2023-11-20.

Conditions:
Cardiomyopathy (CMYO). Also called: Cardiomyopathies. Identifiers: Orphanet 167848, MedGen C0878544, MONDO:0004994, HP:0001638. Inheritance: Various modes of inheritance.
Hypertrophic cardiomyopathy. Also called: HYPERTROPHIC MYOCARDIOPATHY. Identifiers: Orphanet 217569, MedGen C0007194, MeSH D002312, MONDO:0005045, HP:0001639.

Submissions (3):

All of Us Research Program, National Institutes of Health
Classification: Uncertain significance for Cardiomyopathy. Last evaluated: 2023-11-20. Review status: criteria provided, single submitter. Criteria: ACMG Guidelines, 2015. Collection method: clinical testing. Allele origin: germline. Inheritance: Autosomal dominant inheritance. Observed: 1 variant allele, 1 heterozygote.
Comment: This missense variant replaces alanine with valine at codon 970 of the MYH7 protein. Computational prediction suggests that this variant may have deleterious impact on protein structure and function (internally defined REVEL score threshold >= 0.7, PMID: 27666373). To our knowledge, functional studies have not been reported for this variant. This variant has been reported in one individual affected with dilated cardiomyopathy (PMID: 19412328). This variant has not been identified in the general population by the Genome Aggregation Database (gnomAD). The available evidence is insufficient to determine the role of this variant in disease conclusively. Therefore, this variant is classified as a Variant of Uncertain Significance.

This study involves interpretation of variants in research participants for the purpose of population health screening. Participant phenotype was not available at the time of variant classification. Additional details can be found in publication PMID: 35346344, PMCID: PMC8962531

Color Diagnostics, LLC DBA Color Health
Classification: Uncertain significance for Cardiomyopathy. Last evaluated: 2023-11-01. Review status: criteria provided, single submitter. Criteria: ACMG Guidelines, 2015. Collection method: clinical testing. Allele origin: germline.
Comment: This missense variant replaces alanine with valine at codon 970 of the MYH7 protein. Computational prediction suggests that this variant may have deleterious impact on protein structure and function. To our knowledge, functional studies have not been reported for this variant. This variant has been reported in one individual affected with dilated cardiomyopathy (PMID: 19412328). This variant has not been identified in the general population by the Genome Aggregation Database (gnomAD). The available evidence is insufficient to determine the role of this variant in disease conclusively. Therefore, this variant is classified as a Variant of Uncertain Significance.

Labcorp Genetics (formerly Invitae), Labcorp
Classification: Uncertain significance for Hypertrophic cardiomyopathy. Last evaluated: 2022-03-18. Review status: criteria provided, single submitter. Criteria: Invitae Variant Classification Sherloc (09022015). Collection method: clinical testing. Allele origin: germline.
Comment: This sequence change replaces alanine, which is neutral and non-polar, with valine, which is neutral and non-polar, at codon 970 of the MYH7 protein (p.Ala970Val). In summary, the available evidence is currently insufficient to determine the role of this variant in disease. Therefore, it has been classified as a Variant of Uncertain Significance. Algorithms developed to predict the effect of sequence changes on RNA splicing suggest that this variant may create or strengthen a splice site. Algorithms developed to predict the effect of missense changes on protein structure and function (SIFT, PolyPhen-2, Align-GVGD) all suggest that this variant is likely to be disruptive. ClinVar contains an entry for this variant (Variation ID: 935528). This missense change has been observed in individual(s) with clinical features of dilated cardiomyopathy (PMID: 19412328). This variant is not present in population databases (gnomAD no frequency).

Literature cited by the submitters: PubMed 19412328 (cited by 3 submitters).

NM_000257.4(MYH7):c.2909C>T (p.Ala970Val)

Gene: MYH7 (myosin heavy chain 7; minus strand). Cytogenetic location: 14q11.2.
Variant type: single nucleotide variant.
Coding change: c.2909C>T on transcript NM_000257.4 (MANE Select); coding-DNA position 2909, C replaced by T.
Protein change: p.Ala970Val; replaces alanine 970 with valine.
Molecular consequence: missense variant.
Genome position (GRCh38, 1-based): chr14:23,423,920, G>A on the plus strand (C>T on the coding strand, the complement: MYH7 is on the minus strand). VCF-style: chr14-23423920-G-A. GRCh37 (hg19) VCF-style: chr14-23893129-G-A.
Other names: short protein forms A970V.
Identifiers: ClinVar variation 935528 (VCV000935528.10), dbSNP rs45468702, ClinGen allele CA257818867.